The following is an entry in ClinVar:

NM_007294.4(BRCA1):c.5077G>A (p.Ala1693Thr)

Gene: BRCA1 (BRCA1 DNA repair associated; minus strand). Cytogenetic location: 17q21.31.
Variant type: single nucleotide variant.
Coding change: c.5077G>A on transcript NM_007294.4 (MANE Select); coding-DNA position 5077, G replaced by A.
Protein change: p.Ala1693Thr; replaces alanine 1693 with threonine.
Molecular consequence: missense variant. On other transcripts: non-coding transcript variant (1).
Genome position (GRCh38, 1-based): chr17:43,063,949, C>T on the plus strand (G>A on the coding strand, the complement: BRCA1 is on the minus strand). VCF-style: chr17-43063949-C-T. GRCh37 (hg19) VCF-style: chr17-41215966-C-T.
Other names: c.4864G>A, p.Ala1622Thr (NM_001407571.1, NM_001407906.1, NM_001407907.1 and 12 more transcripts); c.5143G>A, p.Ala1715Thr (NM_001407581.1, NM_001407582.1); c.5140G>A, p.Ala1714Thr (NM_001407583.1, NM_001407585.1, NM_001407587.1 and 1 more transcripts); c.5137G>A, p.Ala1713Thr (NM_001407590.1, NM_001407591.1); c.5077G>A, p.Ala1693Thr (NM_001407593.1, NM_001407594.1, NM_001407596.1 and 7 more transcripts); c.5074G>A, p.Ala1692Thr (NM_001407610.1, NM_001407611.1, NM_001407612.1 and 17 more transcripts); c.5071G>A, p.Ala1691Thr (NM_001407630.1, NM_001407631.1, NM_001407632.1 and 14 more transcripts); c.4999G>A, p.Ala1667Thr (NM_001407653.1, NM_001407654.1, NM_001407655.1); and 71 more; short protein forms A1693T, A1714T, A589T, A1646T, A1582T, A1604T, A1626T, A1644T.
Identifiers: ClinVar variation 864927 (VCV000864927.3), dbSNP rs1040027065, ClinGen allele CA10591370.
Genomic context (GRCh38, chr17:43,063,949, plus strand): 5'-CCCATTTTCCTCCCGCAATTCCTAGAAAATATTTCAGTGTCCGTTCACACACAAACTCAG[C>T]ATCTGCAGAATGAAAAACACTCAAAGGATTAGAAGTTGAAAACAAAATCAGGAAGTGCTG-3'
Protein context (NP_009225.1, residues 1683-1703): ETTHVVMKTD[Ala1693Thr]EFVCERTLKY

Conditions:
Breast-ovarian cancer, familial, susceptibility to, 1 (BROVCA1). Also called: BRCA1 Hereditary Breast and Ovarian Cancer; OVARIAN CANCER, SUSCEPTIBILITY TO. Identifiers: Orphanet 145, MedGen C2676676, MONDO:0011450, OMIM 604370. Disease mechanism: loss of function.

Submission:

Brotman Baty Institute, University of Washington
No classification provided (evidence only). Condition: Breast-ovarian cancer, familial 1. Review status: no classification provided. Collection method: in vitro. Allele origin: not applicable. Functional consequence: functionally_normal.
ClinVar note: "not provided" was previously submitted as the classification for the variant. However, the classification appeared to be based only on an observation of functional data so it was converted to no classification on 2025-07-30.